The following is an entry in ClinVar:

NM_000255.4(MMUT):c.443C>T (p.Ser148Leu)

Gene: MMUT (methylmalonyl-CoA mutase; minus strand). Cytogenetic location: 6p12.3.
Variant type: single nucleotide variant.
Coding change: c.443C>T on transcript NM_000255.4 (MANE Select); coding-DNA position 443, C replaced by T.
Protein change: p.Ser148Leu; replaces serine 148 with leucine.
Molecular consequence: missense variant.
Genome position (GRCh38, 1-based): chr6:49,458,001, G>A on the plus strand (C>T on the coding strand, the complement: MMUT is on the minus strand). VCF-style: chr6-49458001-G-A. GRCh37 (hg19) VCF-style: chr6-49425714-G-A.
Other names: short protein forms S148L.
Identifiers: ClinVar variation 1366923 (VCV001366923.7), dbSNP rs1300547552, ClinGen allele CA364404714.

ClinVar aggregate classification (germline): Conflicting classifications of pathogenicity. Review status: criteria provided, conflicting classifications (1 of 4 stars). 2 submissions from 2 submitters: Pathogenic (1); Uncertain significance (1). Last evaluated 2026-06-29.

Conditions:
Methylmalonic aciduria due to methylmalonyl-CoA mutase deficiency (MAMM). Also called: Methylmalonic aciduria, mut type. Identifiers: Orphanet 27, MedGen C1855114, MONDO:0009612, OMIM 251000.

Submissions (2):

Myriad Genetics, Inc.
Classification: Uncertain significance for Methylmalonic aciduria due to methylmalonyl-CoA mutase deficiency. Last evaluated: 2026-06-29. Review status: criteria provided, single submitter. Criteria: Myriad Autosomal Dominant, Autosomal Recessive and X-Linked Classification Criteria (2023). Collection method: clinical testing. Allele origin: unknown.
Comment: NM_000255.3(MMUT):c.443C>T(S148L) is a missense variant classified as a variant of uncertain significance in the context of methylmalonic acidemia, MMUT-related. S148L has been observed in a case with relevant disease (PMID: 15643616). Relevant functional assessments of this variant are not available in the literature. S148L has been observed in referenced population frequency databases. In summary, there is insufficient evidence to classify NM_000255.3(MMUT):c.443C>T(S148L) as pathogenic or benign. Please note: this variant was assessed in the context of healthy population screening.

Labcorp Genetics (formerly Invitae), Labcorp
Classification: Pathogenic. Last evaluated: 2023-03-14. Review status: criteria provided, single submitter. Criteria: Invitae Variant Classification Sherloc (09022015). Collection method: clinical testing. Allele origin: germline.
Comment: This missense change has been observed in individual(s) with methylmalonic aciduria (PMID: 15643616, 17113806). In at least one individual the data is consistent with being in trans (on the opposite chromosome) from a pathogenic variant. This sequence change replaces serine, which is neutral and polar, with leucine, which is neutral and non-polar, at codon 148 of the MUT protein (p.Ser148Leu). This variant is present in population databases (no rsID available, gnomAD 0.0009%). ClinVar contains an entry for this variant (Variation ID: 1366923). Advanced modeling of protein sequence and biophysical properties (such as structural, functional, and spatial information, amino acid conservation, physicochemical variation, residue mobility, and thermodynamic stability) performed at Invitae indicates that this missense variant is expected to disrupt MUT protein function. For these reasons, this variant has been classified as Pathogenic.

Literature cited by the submitters: PubMed 15643616 (cited by Myriad Genetics, Inc. and Labcorp Genetics (formerly Invitae), Labcorp); PubMed 17113806 (cited by Labcorp Genetics (formerly Invitae), Labcorp).